The following is an entry in ClinVar:

NM_021098.3(CACNA1H):c.1462A>G (p.Lys488Glu)

Gene: CACNA1H (calcium voltage-gated channel subunit alpha1 H; plus strand). Cytogenetic location: 16p13.3.
Variant type: single nucleotide variant.
Coding change: c.1462A>G on transcript NM_021098.3 (MANE Select); coding-DNA position 1462, A replaced by G.
Protein change: p.Lys488Glu; replaces lysine 488 with glutamic acid.
Molecular consequence: missense variant.
Genome position (GRCh38, 1-based): chr16:1,201,912, A>G. VCF-style: chr16-1201912-A-G. GRCh37 (hg19) VCF-style: chr16-1251912-A-G.
Other names: c.1462A>G, p.Lys488Glu (NM_001005407.2); short protein forms K488E.
Identifiers: ClinVar variation 2663333 (VCV002663333.2), dbSNP rs1320321537, ClinGen allele CA394160915.
Genomic context (GRCh38, chr16:1,201,912, plus strand): 5'-TTCCGCAAGGTCAAGCGGCGCAGCTTGCGCCTCTACGCCCGCTGGCAGAGCCGCTGGCGC[A>G]AGAAGGTGGACCCCAGTGCTGTGCAAGGCCAGGGTCCCGGGCACCGCCAGCGCCGGGCAG-3'
Protein context (NP_066921.2, residues 478-498): LYARWQSRWR[Lys488Glu]KVDPSAVQGQ

ClinVar aggregate classification (germline): Uncertain significance. Review status: criteria provided, multiple submitters, no conflicts (2 of 4 stars). 2 submissions from 2 submitters: Uncertain significance (2). Last evaluated 2024-10-16.

Conditions:
Inborn genetic diseases. Identifiers: MedGen C0950123, MeSH D030342.

Allele frequency attached by ClinVar (database versions not stated): gnomAD exomes below 0.00001.
gnomAD v4.1: 2 of 1,550,204 alleles (0.00013%); no homozygotes.

Submissions (2):

Ambry Genetics
Classification: Uncertain significance for Inborn genetic diseases. Last evaluated: 2024-10-16. Review status: criteria provided, single submitter. Criteria: Ambry Variant Classification Scheme 2023. Collection method: clinical testing. Allele origin: germline.

GeneDx
Classification: Uncertain significance. Last evaluated: 2023-05-08. Review status: criteria provided, single submitter. Criteria: GeneDx Variant Classification Process June 2021. Collection method: clinical testing. Allele origin: germline. Affected: yes.
Comment: Not observed at significant frequency in large population cohorts (gnomAD); In silico analysis supports that this missense variant does not alter protein structure/function; Has not been previously published as pathogenic or benign to our knowledge